The following is an entry in ClinVar:

ClinVar aggregate classification (germline): Uncertain significance (1 of 4 stars; one submission).

Submission:

Labcorp Genetics (formerly Invitae), Labcorp
Classification: Uncertain significance. Last evaluated: 2022-10-13. Review status: criteria provided, single submitter. Criteria: Invitae Variant Classification Sherloc (09022015). Collection method: clinical testing. Allele origin: germline.
Comment: ClinVar contains an entry for this variant (Variation ID: 1398088). In summary, the available evidence is currently insufficient to determine the role of this variant in disease. Therefore, it has been classified as a Variant of Uncertain Significance. Algorithms developed to predict the effect of missense changes on protein structure and function are either unavailable or do not agree on the potential impact of this missense change (SIFT: "Not Available"; PolyPhen-2: "Probably Damaging"; Align-GVGD: "Not Available"). This variant has not been reported in the literature in individuals affected with MYO18B-related conditions. This variant is not present in population databases (gnomAD no frequency). This sequence change replaces glutamine, which is neutral and polar, with arginine, which is basic and polar, at codon 1370 of the MYO18B protein (p.Gln1370Arg).

NM_032608.7(MYO18B):c.4109A>G (p.Gln1370Arg)

Gene: MYO18B (myosin XVIIIB; plus strand). Cytogenetic location: 22q12.1.
Variant type: single nucleotide variant.
Coding change: c.4109A>G on transcript NM_032608.7 (MANE Select); coding-DNA position 4109, A replaced by G.
Protein change: p.Gln1370Arg; replaces glutamine 1370 with arginine.
Molecular consequence: missense variant.
Genome position (GRCh38, 1-based): chr22:25,876,217, A>G. VCF-style: chr22-25876217-A-G. GRCh37 (hg19) VCF-style: chr22-26272184-A-G.
Other names: c.4112A>G, p.Gln1371Arg (NM_001318245.2); short protein forms Q1371R, Q1370R.
Identifiers: ClinVar variation 1398088 (VCV001398088.6), dbSNP rs1569140139, ClinGen allele CA411007289.